The following is an entry in ClinVar:

ClinVar aggregate classification (germline): Pathogenic (1 of 4 stars; one submission).

Conditions:
Retinoblastoma (RB1). Also called: RETINOBLASTOMA, SOMATIC. Identifiers: Orphanet 790, MedGen C0035335, MeSH D012175, MONDO:0008380, OMIM 180200, HP:0009919. Disease mechanism: loss of function. Inheritance: Both sporadic and heritable forms are tested..

Submission:

Labcorp Genetics (formerly Invitae), Labcorp
Classification: Pathogenic for Retinoblastoma. Last evaluated: 2022-07-27. Review status: criteria provided, single submitter. Criteria: Invitae Variant Classification Sherloc (09022015). Collection method: clinical testing. Allele origin: germline.
Comment: For these reasons, this variant has been classified as Pathogenic. This variant has not been reported in the literature in individuals affected with RB1-related conditions. This variant is a gross deletion of the genomic region encompassing exon(s) 4-6 of the RB1 gene. This deletion is out-of-frame, and is expected to create a premature termination codon and result in an absent or disrupted protein product. Loss-of-function variants in RB1 are known to be pathogenic (PMID: 17096365).

Literature cited by the submitters: PubMed 17096365.

NC_000013.10:g.(?_48919206)_(48923169_?)del

Gene: RB1 (RB transcriptional corepressor 1; plus strand). Cytogenetic location: 13q14.2.
Variant type: Deletion.
Identifiers: ClinVar variation 2422882 (VCV002422882.4).